The following is an entry in ClinVar:

NM_001127178.3(PIGG):c.1900G>A (p.Asp634Asn)

Gene: PIGG (phosphatidylinositol glycan anchor biosynthesis class G (EMM blood group); plus strand). Cytogenetic location: 4p16.3.
Variant type: single nucleotide variant.
Coding change: c.1900G>A on transcript NM_001127178.3 (MANE Select); coding-DNA position 1900, G replaced by A.
Protein change: p.Asp634Asn; replaces aspartic acid 634 with asparagine.
Molecular consequence: missense variant. On other transcripts: non-coding transcript variant (6).
Genome position (GRCh38, 1-based): chr4:523,744, G>A. VCF-style: chr4-523744-G-A. GRCh37 (hg19) VCF-style: chr4-517533-G-A.
Other names: c.1633G>A, p.Asp545Asn (NM_001289051.2, NM_001345986.2); c.1501G>A, p.Asp501Asn (NM_001289052.2); c.1609G>A, p.Asp537Asn (NM_001345987.2); c.871G>A, p.Asp291Asn (NM_001345988.2); c.367G>A, p.Asp123Asn (NM_001345990.2, NM_001345991.2); c.802G>A, p.Asp268Asn (NM_001345994.2); c.1876G>A, p.Asp626Asn (NM_017733.5); short protein forms D634N, D268N, D501N, D537N, D545N, D291N, D123N, D626N.
Identifiers: ClinVar variation 542896 (VCV000542896.11), dbSNP rs145542247, ClinGen allele CA91067079.

ClinVar aggregate classification (germline): Uncertain significance (1 of 4 stars; one submission).

Conditions:
Intellectual disability, autosomal recessive 53 (NEDHSCA). Also called: GLYCOSYLPHOSPHATIDYLINOSITOL BIOSYNTHESIS DEFECT 13; Mental retardation, autosomal recessive 53; NEURODEVELOPMENTAL DISORDER WITH OR WITHOUT HYPOTONIA, SEIZURES, AND CEREBELLAR ATROPHY. Identifiers: Orphanet 488635, MedGen C4310794, MONDO:0014832, OMIM 616917.

Submission:

Labcorp Genetics (formerly Invitae), Labcorp
Classification: Uncertain significance for Intellectual disability, autosomal recessive 53. Last evaluated: 2022-08-10. Review status: criteria provided, single submitter. Criteria: Invitae Variant Classification Sherloc (09022015). Collection method: clinical testing. Allele origin: germline.
Comment: This sequence change replaces aspartic acid, which is acidic and polar, with asparagine, which is neutral and polar, at codon 634 of the PIGG protein (p.Asp634Asn). This variant is not present in population databases (gnomAD no frequency). This variant has not been reported in the literature in individuals affected with PIGG-related conditions. ClinVar contains an entry for this variant (Variation ID: 542896). Algorithms developed to predict the effect of missense changes on protein structure and function output the following: SIFT: "Tolerated"; PolyPhen-2: "Benign"; Align-GVGD: "Class C0". The asparagine amino acid residue is found in multiple mammalian species, which suggests that this missense change does not adversely affect protein function. In summary, the available evidence is currently insufficient to determine the role of this variant in disease. Therefore, it has been classified as a Variant of Uncertain Significance.